The following is an entry in ClinVar:

NM_000079.4(CHRNA1):c.802T>C (p.Ser268Pro)

Gene: CHRNA1 (cholinergic receptor nicotinic alpha 1 subunit; minus strand). Cytogenetic location: 2q31.1.
Variant type: single nucleotide variant.
Coding change: c.802T>C on transcript NM_000079.4 (MANE Select); coding-DNA position 802, T replaced by C.
Protein change: p.Ser268Pro; replaces serine 268 with proline.
Molecular consequence: missense variant.
Genome position (GRCh38, 1-based): chr2:174,750,146, A>G on the plus strand (T>C on the coding strand, the complement: CHRNA1 is on the minus strand). VCF-style: chr2-174750146-A-G. GRCh37 (hg19) VCF-style: chr2-175614874-A-G.
Other names: c.877T>C, p.Ser293Pro (NM_001039523.3); short protein forms S268P, S293P.
Identifiers: ClinVar variation 962758 (VCV000962758.12), dbSNP rs1683819520, ClinGen allele CA349337008.
Genomic context (GRCh38, chr2:174,750,146, plus strand): 5'-ACGTGGAGGGGATCAGCTCCACGATGACCAGAAGGAACACAGTCAAAGACAGTAAGACAG[A>G]GATGCTCAGAGTCATCTTCTCCCCTGAAAAGACCAAAAAAAAAAAAAAAAATCCCACAAC-3'
Protein context (NP_000070.1, residues 258-278): DSGEKMTLSI[Ser268Pro]VLLSLTVFLL

ClinVar aggregate classification (germline): Uncertain significance. Review status: criteria provided, multiple submitters, no conflicts (2 of 4 stars). 2 submissions from 2 submitters: Uncertain significance (2). Last evaluated 2022-06-03.

Conditions:
Lethal multiple pterygium syndrome (LMPS). Identifiers: Orphanet 33108, MedGen C1854678, MONDO:0009668, OMIM 253290.

Submissions (2):

Labcorp Genetics (formerly Invitae), Labcorp
Classification: Uncertain significance for Lethal multiple pterygium syndrome. Last evaluated: 2022-06-03. Review status: criteria provided, single submitter. Criteria: Invitae Variant Classification Sherloc (09022015). Collection method: clinical testing. Allele origin: germline.
Comment: In summary, the available evidence is currently insufficient to determine the role of this variant in disease. Therefore, it has been classified as a Variant of Uncertain Significance. Advanced modeling of protein sequence and biophysical properties (such as structural, functional, and spatial information, amino acid conservation, physicochemical variation, residue mobility, and thermodynamic stability) performed at Invitae indicates that this missense variant is expected to disrupt CHRNA1 protein function. ClinVar contains an entry for this variant (Variation ID: 962758). This variant has not been reported in the literature in individuals affected with CHRNA1-related conditions. This variant is not present in population databases (gnomAD no frequency). This sequence change replaces serine, which is neutral and polar, with proline, which is neutral and non-polar, at codon 268 of the CHRNA1 protein (p.Ser268Pro).

Juno Genomics, Hangzhou Juno Genomics, Inc
Classification: Uncertain significance for Lethal multiple pterygium syndrome. Review status: criteria provided, single submitter. Criteria: ACMG Guidelines, 2015. Collection method: clinical testing. Allele origin: germline.
Comment: Absent from controls (or at extremely low frequency if recessive) in Genome Aggregation Database.;Multiple lines of computational evidence support a deleterious effect on the gene or gene product.